The following is an entry in ClinVar:

NC_000007.13:g.(?_33388660)_(33397627_?)dup

Gene: BBS9 (Bardet-Biedl syndrome 9; plus strand). Cytogenetic location: 7p14.3.
Variant type: Duplication.
Identifiers: ClinVar variation 3245739 (VCV003245739.1).

ClinVar aggregate classification (germline): Likely pathogenic (1 of 4 stars; one submission).

Conditions:
Bardet-Biedl syndrome (BBS). Identifiers: Orphanet 110, MedGen C0752166, MONDO:0015229.

Submission:

Labcorp Genetics (formerly Invitae), Labcorp
Classification: Likely pathogenic for Bardet-Biedl syndrome. Last evaluated: 2023-02-14. Review status: criteria provided, single submitter. Criteria: Invitae Variant Classification Sherloc (09022015). Collection method: clinical testing. Allele origin: unknown.
Comment: This variant results in a copy number gain of the genomic region encompassing exon(s) 13-16 of the BBS9 gene. While the exact position of this variant cannot be determined from the data, sub-genic copy number gains are generally in tandem (PMID: 25640679). This variant is predicted to be out-of-frame, and may result in an absent or disrupted protein product. Loss-of-function variants in BBS9 are known to be pathogenic (PMID: 16380913, 20177705). This variant has not been reported in the literature in individuals affected with BBS9-related conditions. In summary, the currently available evidence indicates that the variant is pathogenic, but additional data are needed to prove that conclusively. Therefore, this variant has been classified as Likely Pathogenic.

Literature cited by the submitters: PubMed 25640679; PubMed 16380913; PubMed 20177705.